The following is an entry in ClinVar:

ClinVar aggregate classification (germline): Uncertain significance (1 of 4 stars; one submission).

Conditions:
NOTCH2-related disorder. Also called: NOTCH2-related condition.

Submission:

PreventionGenetics, part of Exact Sciences
Classification: Uncertain significance for NOTCH2-related condition. Last evaluated: 2026-07-21. Review status: criteria provided, single submitter. Criteria: ACMG Guidelines, 2015. Collection method: clinical testing. Allele origin: germline.
Comment: The NOTCH2 c.830A>T variant is predicted to result in the amino acid substitution p.Asp277Val. To our knowledge, this variant has not been reported in the literature or in a large population database (gnomAD), indicating this variant is rare. At this time, the clinical significance of this variant is uncertain due to the absence of conclusive functional and genetic evidence.

NM_024408.4(NOTCH2):c.830A>T (p.Asp277Val)

Gene: NOTCH2 (notch receptor 2; minus strand). Cytogenetic location: 1p12.
Variant type: single nucleotide variant.
Coding change: c.830A>T on transcript NM_024408.4 (MANE Select); coding-DNA position 830, A replaced by T.
Protein change: p.Asp277Val; replaces aspartic acid 277 with valine.
Molecular consequence: missense variant.
Genome position (GRCh38, 1-based): chr1:119,987,004, T>A on the plus strand (A>T on the coding strand, the complement: NOTCH2 is on the minus strand). VCF-style: chr1-119987004-T-A. GRCh37 (hg19) VCF-style: chr1-120529627-T-A.
Other names: c.830A>T, p.Asp277Val (NM_001200001.2); short protein forms D277V.
Identifiers: ClinVar variation 4994237 (VCV004994237.1).